The following is an entry in ClinVar:

NM_000454.5(SOD1):c.283G>A (p.Val95Met)

Gene: SOD1 (superoxide dismutase 1; plus strand). Cytogenetic location: 21q22.11.
Variant type: single nucleotide variant.
Coding change: c.283G>A on transcript NM_000454.5 (MANE Select); coding-DNA position 283, G replaced by A.
Protein change: p.Val95Met; replaces valine 95 with methionine.
Molecular consequence: missense variant.
Genome position (GRCh38, 1-based): chr21:31,667,301, G>A. VCF-style: chr21-31667301-G-A. GRCh37 (hg19) VCF-style: chr21-33039614-G-A.
Other names: short protein forms V95M.
Identifiers: ClinVar variation 4281385 (VCV004281385.7).

ClinVar aggregate classification (germline): Uncertain significance (1 of 4 stars; one submission).

Submission:

CeGaT Center for Human Genetics Tuebingen
Classification: Uncertain significance. Last evaluated: 2025-09-01. Review status: criteria provided, single submitter. Criteria: CeGaT Center For Human Genetics Tuebingen Variant Classification Criteria Version 2. Collection method: clinical testing. Allele origin: germline. Affected: yes. Observed: 1 variant allele.
Comment: SOD1: PM2, PS2:Supporting